The following is an entry in ClinVar:

NM_017802.4(DNAAF5):c.745del (p.His249fs)

Gene: DNAAF5 (dynein axonemal assembly factor 5; plus strand). Cytogenetic location: 7p22.3.
Variant type: Deletion.
Coding change: c.745del on transcript NM_017802.4 (MANE Select); coding-DNA position 745, one base deleted (C; older notation c.745delC).
Protein change: p.His249fs; shifts the reading frame from histidine 249.
Molecular consequence: frameshift variant. On other transcripts: non-coding transcript variant (1).
Genome position (GRCh38, 1-based): chr7:729,812, C deleted; the last of 3 consecutive C bases (chr7:729,810-729,812); deleting any one gives the same sequence. VCF-style (leftmost placement, unchanged base first): chr7-729809-TC-T. GRCh37 (hg19) VCF-style: chr7-769446-TC-T.
Other names: short protein forms H249fs.
Identifiers: ClinVar variation 1433639 (VCV001433639.6), dbSNP rs1307353210, ClinGen allele CA841934659.
Genomic context (GRCh38, chr7:729,809, plus strand): 5'-ATTGAAGCCACAGGCGCAGTGATCCATTTTGGCAACGGGAAGTCCGTGGACGACGTGCTT[TC>T]CCATTTTGCTCAGCGACTGTTTGATGACGTCCCGCAGGTAACTGGTGTTTCTCCTGGACA-3'

ClinVar aggregate classification (germline): Pathogenic (1 of 4 stars; one submission).

Conditions:
Primary ciliary dyskinesia. Also called: Ciliary dyskinesia. Identifiers: Orphanet 244, MedGen C0008780, MONDO:0016575, HP:0012265.

Submission:

Labcorp Genetics (formerly Invitae), Labcorp
Classification: Pathogenic for Primary ciliary dyskinesia. Last evaluated: 2021-02-12. Review status: criteria provided, single submitter. Criteria: Invitae Variant Classification Sherloc (09022015). Collection method: clinical testing. Allele origin: germline.
Comment: For these reasons, this variant has been classified as Pathogenic. This variant has not been reported in the literature in individuals with DNAAF5-related conditions. This variant is not present in population databases (ExAC no frequency). This sequence change creates a premature translational stop signal (p.His249Ilefs*76) in the DNAAF5 gene. It is expected to result in an absent or disrupted protein product. Loss-of-function variants in DNAAF5 are known to be pathogenic (PMID: 24307375, 25232951).

Literature cited by the submitters: PubMed 24307375; PubMed 25232951.